The following is an entry in ClinVar:

ClinVar aggregate classification (germline): Uncertain significance. Review status: criteria provided, multiple submitters, no conflicts (2 of 4 stars). 2 submissions from 2 submitters: Uncertain significance (2). Last evaluated 2025-01-09.

Conditions:
Inborn genetic diseases. Identifiers: MedGen C0950123, MeSH D030342.

Allele frequency attached by ClinVar (database versions not stated): 1000 Genomes Project 30x 0.00016; 1000 Genomes Project 0.00020; ESP Exome Variant Server 0.00008.
gnomAD v4.1: 57 of 1,614,156 alleles (0.0035%); highest among the groups gnomAD compares: East Asian, 0.1%; no homozygotes.

Submissions (2):

Ambry Genetics
Classification: Uncertain significance for Inborn genetic diseases. Last evaluated: 2025-01-09. Review status: criteria provided, single submitter. Criteria: Ambry Variant Classification Scheme 2023. Collection method: clinical testing. Allele origin: germline.

Labcorp Genetics (formerly Invitae), Labcorp
Classification: Uncertain significance. Last evaluated: 2022-08-16. Review status: criteria provided, single submitter. Criteria: Invitae Variant Classification Sherloc (09022015). Collection method: clinical testing. Allele origin: germline.
Comment: This sequence change replaces valine, which is neutral and non-polar, with isoleucine, which is neutral and non-polar, at codon 150 of the HPS3 protein (p.Val150Ile). This variant is present in population databases (rs146744768, gnomAD 0.02%). This variant has not been reported in the literature in individuals affected with HPS3-related conditions. ClinVar contains an entry for this variant (Variation ID: 1442481). Algorithms developed to predict the effect of missense changes on protein structure and function are either unavailable or do not agree on the potential impact of this missense change (SIFT: "Deleterious"; PolyPhen-2: "Possibly Damaging"; Align-GVGD: "Class C0"). In summary, the available evidence is currently insufficient to determine the role of this variant in disease. Therefore, it has been classified as a Variant of Uncertain Significance.

NM_032383.5(HPS3):c.448G>A (p.Val150Ile)

Gene: HPS3 (HPS3 biogenesis of lysosomal organelles complex 2 subunit 1; plus strand). Cytogenetic location: 3q24.
Variant type: single nucleotide variant.
Coding change: c.448G>A on transcript NM_032383.5 (MANE Select); coding-DNA position 448, G replaced by A.
Protein change: p.Val150Ile; replaces valine 150 with isoleucine.
Molecular consequence: missense variant. On other transcripts: intron variant (1).
Genome position (GRCh38, 1-based): chr3:149,140,234, G>A. VCF-style: chr3-149140234-G-A. GRCh37 (hg19) VCF-style: chr3-148858021-G-A.
Other names: c.218-783G>A (NM_001308258.2); c.448G>A (NM_032383.3); short protein forms V150I.
Identifiers: ClinVar variation 1442481 (VCV001442481.4), dbSNP rs146744768, ClinGen allele CA2659814.